The following is an entry in ClinVar:

ClinVar aggregate classification (germline): Likely benign. Review status: criteria provided, multiple submitters, no conflicts (2 of 4 stars). 3 submissions from 3 submitters: Likely benign (3). Last evaluated 2025-09-27.

Conditions:
Cardiovascular phenotype. Identifiers: MedGen CN230736.
MYH6-related disorder. Also called: MYH6-Related Disorders; MYH6-related condition.
Hypertrophic cardiomyopathy 14. Identifiers: MedGen C2750467, MONDO:0013197, OMIM 613251.

Allele frequency attached by ClinVar (database versions not stated): ExAC 0.00001; gnomAD exomes 0.00001; TOPMed 0.00001; gnomAD 0.00002; 1000 Genomes Project 30x 0.00016; 1000 Genomes Project 0.00020.
gnomAD v4.1: 14 of 1,614,166 alleles (0.00087%); highest among the groups gnomAD compares: African/African-American, 0.015%; no homozygotes.

Submissions (3):

Labcorp Genetics (formerly Invitae), Labcorp
Classification: Likely benign for Hypertrophic cardiomyopathy 14. Last evaluated: 2025-09-27. Review status: criteria provided, single submitter. Criteria: Invitae Variant Classification Sherloc (09022015). Collection method: clinical testing. Allele origin: germline.

PreventionGenetics, part of Exact Sciences
Classification: Likely benign for MYH6-related condition. Last evaluated: 2025-05-07. Review status: criteria provided, single submitter. Criteria: ACMG Guidelines, 2015. Collection method: clinical testing. Allele origin: germline.
Comment: This variant is classified as likely benign based on ACMG/AMP sequence variant interpretation guidelines (Richards et al. 2015 PMID: 25741868, with internal and published modifications).

Ambry Genetics
Classification: Likely benign for Cardiovascular phenotype. Last evaluated: 2023-05-13. Review status: criteria provided, single submitter. Criteria: Ambry Variant Classification Scheme 2023. Collection method: clinical testing. Allele origin: germline.

NM_002471.4(MYH6):c.2706T>C (p.Asp902=)

Gene: MYH6 (myosin heavy chain 6; minus strand). Cytogenetic location: 14q11.2.
Variant type: single nucleotide variant.
Coding change: c.2706T>C on transcript NM_002471.4 (MANE Select); coding-DNA position 2706, T replaced by C.
Protein change: p.Asp902=; no amino-acid change (aspartic acid 902 retained).
Molecular consequence: synonymous variant.
Genome position (GRCh38, 1-based): chr14:23,393,888, A>G on the plus strand (T>C on the coding strand, the complement: MYH6 is on the minus strand). VCF-style: chr14-23393888-A-G. GRCh37 (hg19) VCF-style: chr14-23863097-A-G.
Identifiers: ClinVar variation 2567211 (VCV002567211.5), dbSNP rs150539220, ClinGen allele CA7115386.